The following is an entry in ClinVar:

ClinVar aggregate classification (germline): Uncertain significance (1 of 4 stars; one submission).

Submission:

Labcorp Genetics (formerly Invitae), Labcorp
Classification: Uncertain significance. Last evaluated: 2022-03-22. Review status: criteria provided, single submitter. Criteria: Invitae Variant Classification Sherloc (09022015). Collection method: clinical testing. Allele origin: germline.
Comment: Experimental studies and prediction algorithms are not available or were not evaluated, and the functional significance of this variant is currently unknown. This variant has not been reported in the literature in individuals affected with FAT4-related conditions. This variant is present in population databases (rs759879911, gnomAD 0.002%). This variant, c.13619_13620insAAA, results in the insertion of 1 amino acid(s) of the FAT4 protein (p.Lys4542dup), but otherwise preserves the integrity of the reading frame. In summary, the available evidence is currently insufficient to determine the role of this variant in disease. Therefore, it has been classified as a Variant of Uncertain Significance.

NM_001291303.3(FAT4):c.13625_13626insAAA (p.Lys4544dup)

Gene: FAT4 (FAT atypical cadherin 4; plus strand). Cytogenetic location: 4q28.1.
Variant type: Insertion.
Coding change: c.13625_13626insAAA on transcript NM_001291303.3 (MANE Select); coding-DNA positions 13625 to 13626, AAA inserted.
Protein change: p.Lys4544dup; duplicates lysine 4544.
Molecular consequence: inframe insertion.
Genome position: GRCh38 VCF-style: chr4-125490440-G-GAAA. GRCh37 (hg19) VCF-style: chr4-126411595-G-GAAA.
Other names: c.13622_13623insAAA, p.Lys4543dup (NM_001291285.3); c.13619_13620insAAA, p.Lys4542dup (NM_024582.6).
Identifiers: ClinVar variation 1389309 (VCV001389309.5), dbSNP rs759879911, ClinGen allele CA3074404.